The following is an entry in ClinVar:

ClinVar aggregate classification (germline): Likely benign (1 of 4 stars; one submission).

Conditions:
SLCO1B3-related disorder. Also called: SLCO1B3-related condition.

gnomAD v4.1: 10 of 1,573,556 alleles (0.00064%); highest among the groups gnomAD compares: South Asian, 0.012%; no homozygotes.

Submission:

PreventionGenetics, part of Exact Sciences
Classification: Likely benign for SLCO1B3-related condition. Last evaluated: 2026-03-17. Review status: criteria provided, single submitter. Criteria: ACMG Guidelines, 2015. Collection method: clinical testing. Allele origin: germline.
Comment: This variant is classified as likely benign based on ACMG/AMP sequence variant interpretation guidelines (Richards et al. 2015 PMID: 25741868, with internal and published modifications).

NM_019844.4(SLCO1B3):c.360T>C (p.Tyr120=)

Genes: SLCO1B3 (solute carrier organic anion transporter family member 1B3; plus strand), SLCO1B3-SLCO1B7 (SLCO1B3-SLCO1B7 readthrough; plus strand). Cytogenetic location: 12p12.2.
Variant type: single nucleotide variant.
Coding change: c.360T>C on transcript NM_019844.4 (MANE Select); coding-DNA position 360, T replaced by C.
Protein change: p.Tyr120=; no amino-acid change (tyrosine 120 retained).
Molecular consequence: synonymous variant.
Genome position (GRCh38, 1-based): chr12:20,861,017, T>C. VCF-style: chr12-20861017-T-C. GRCh37 (hg19) VCF-style: chr12-21013951-T-C.
Other names: c.360T>C, p.Tyr120= (NM_001371097.1); c.276T>C, p.Tyr92= (NM_001349920.2).
Identifiers: ClinVar variation 4978352 (VCV004978352.1).